The following is an entry in ClinVar:

NM_032043.3(BRIP1):c.3285T>C (p.Ser1095=)

Gene: BRIP1 (BRCA1 interacting DNA helicase 1; minus strand). Cytogenetic location: 17q23.2.
Variant type: single nucleotide variant.
Coding change: c.3285T>C on transcript NM_032043.3 (MANE Select); coding-DNA position 3285, T replaced by C.
Protein change: p.Ser1095=; no amino-acid change (serine 1095 retained).
Molecular consequence: synonymous variant.
Genome position (GRCh38, 1-based): chr17:61,683,761, A>G on the plus strand (T>C on the coding strand, the complement: BRIP1 is on the minus strand). VCF-style: chr17-61683761-A-G. GRCh37 (hg19) VCF-style: chr17-59761122-A-G.
Identifiers: ClinVar variation 414689 (VCV000414689.20), dbSNP rs774105218, ClinGen allele CA8690374.
Genomic context (GRCh38, chr17:61,683,761, plus strand): 5'-GGACTGTTTATCTTCTTCACTTACTAGAGACAATTCAATGTCTGGATCCAGGGCTTCTTC[A>G]GAACAGAGCGGATGTTCAGAATGATTTTTTCTAGTAAGGGTGGCATCAATCTTTAATGAT-3'
Protein context (NP_114432.2, residues 1085-1105): RKNHSEHPLC[Ser1095=]EEALDPDIEL

ClinVar aggregate classification (germline): Benign/Likely benign. Review status: criteria provided, multiple submitters, no conflicts (2 of 4 stars). 4 submissions from 4 submitters: Benign (1); Likely benign (3). Last evaluated 2024-09-10.

Conditions:
Fanconi anemia complementation group J. Also called: BRIP1-Related Fanconi Anemia. Identifiers: Orphanet 84, MedGen C1836860, MONDO:0012187, OMIM 609054.
Familial cancer of breast. Also called: Hereditary breast cancer; BREAST CANCER, FAMILIAL; hereditary breast carcinoma. Identifiers: Orphanet 227535, MedGen C0346153, MONDO:0016419, OMIM 114480. Disease mechanism: loss of function.
Hereditary cancer-predisposing syndrome. Also called: Tumor predisposition; Neoplastic Syndromes, Hereditary; Hereditary Cancer Syndrome; Hereditary neoplastic syndrome. Identifiers: Orphanet 140162, MedGen C0027672, MeSH D009386, MONDO:0015356.

Allele frequency attached by ClinVar (database versions not stated): gnomAD exomes below 0.00001; ExAC 0.00001.

Submissions (4):

Myriad Genetics, Inc.
Classification: Benign for Familial cancer of breast. Last evaluated: 2024-09-10. Review status: criteria provided, single submitter. Criteria: Myriad Autosomal Dominant, Autosomal Recessive and X-Linked Classification Criteria (2023). Collection method: clinical testing. Allele origin: unknown.
Comment: This variant is considered benign. This variant is a silent/synonymous amino acid change and it is not expected to impact splicing.

Labcorp Genetics (formerly Invitae), Labcorp
Classification: Likely benign for Familial cancer of breast; Fanconi anemia complementation group J. Last evaluated: 2024-08-28. Review status: criteria provided, single submitter. Criteria: Invitae Variant Classification Sherloc (09022015). Collection method: clinical testing. Allele origin: germline.

Ambry Genetics
Classification: Likely benign for Hereditary cancer-predisposing syndrome. Last evaluated: 2019-01-25. Review status: criteria provided, single submitter. Criteria: Ambry Variant Classification Scheme 2023. Collection method: clinical testing. Allele origin: germline.

Color Diagnostics, LLC DBA Color Health
Classification: Likely benign for Hereditary cancer-predisposing syndrome. Last evaluated: 2018-07-09. Review status: criteria provided, single submitter. Criteria: ACMG Guidelines, 2015. Collection method: clinical testing. Allele origin: germline.